The following is an entry in ClinVar:

NM_000426.4(LAMA2):c.7963A>G (p.Ile2655Val)

Gene: LAMA2 (laminin subunit alpha 2; plus strand). Cytogenetic location: 6q22.33.
Variant type: single nucleotide variant.
Coding change: c.7963A>G on transcript NM_000426.4 (MANE Select); coding-DNA position 7963, A replaced by G.
Protein change: p.Ile2655Val; replaces isoleucine 2655 with valine.
Molecular consequence: missense variant.
Genome position (GRCh38, 1-based): chr6:129,491,965, A>G. VCF-style: chr6-129491965-A-G. GRCh37 (hg19) VCF-style: chr6-129813110-A-G.
Other names: p.Ile2655Val; c.7951A>G, p.Ile2651Val (NM_001079823.2); short protein forms I2655V, I2651V.
Identifiers: ClinVar variation 2144656 (VCV002144656.2), dbSNP rs775415222, ClinGen allele CA3994706.

ClinVar aggregate classification (germline): Uncertain significance. Review status: criteria provided, multiple submitters, no conflicts (2 of 4 stars). 2 submissions from 2 submitters: Uncertain significance (2). Last evaluated 2025-12-04.

Conditions:
LAMA2-related muscular dystrophy (LAMA2-RD). Also called: Laminin alpha 2-related dystrophy. Identifiers: MedGen C5679788, MONDO:0100228.

Allele frequency attached by ClinVar (database versions not stated): ExAC 0.00001; gnomAD 0.00001; TOPMed 0.00001; gnomAD exomes 0.00002.
gnomAD v4.1: 25 of 1,613,838 alleles (0.0015%); highest among the groups gnomAD compares: Non-Finnish European, 0.0021%; no homozygotes.

Submissions (2):

Mayo Clinic Laboratories, Mayo Clinic
Classification: Uncertain significance. Last evaluated: 2025-12-04. Review status: criteria provided, single submitter. Criteria: ACMG Guidelines, 2015. Collection method: clinical testing. Allele origin: germline. Observed: 1 variant allele.
Comment: BP4, PM2_supporting

Labcorp Genetics (formerly Invitae), Labcorp
Classification: Uncertain significance for LAMA2-related muscular dystrophy. Last evaluated: 2022-07-26. Review status: criteria provided, single submitter. Criteria: Invitae Variant Classification Sherloc (09022015). Collection method: clinical testing. Allele origin: germline.
Comment: This sequence change replaces isoleucine, which is neutral and non-polar, with valine, which is neutral and non-polar, at codon 2655 of the LAMA2 protein (p.Ile2655Val). This variant is present in population databases (rs775415222, gnomAD 0.002%). This variant has not been reported in the literature in individuals affected with LAMA2-related conditions. Advanced modeling of protein sequence and biophysical properties (such as structural, functional, and spatial information, amino acid conservation, physicochemical variation, residue mobility, and thermodynamic stability) performed at Invitae indicates that this missense variant is not expected to disrupt LAMA2 protein function. In summary, the available evidence is currently insufficient to determine the role of this variant in disease. Therefore, it has been classified as a Variant of Uncertain Significance.